The following is an entry in ClinVar:

ClinVar aggregate classification (germline): Conflicting classifications of pathogenicity. Review status: criteria provided, conflicting classifications (1 of 4 stars). 3 submissions from 3 submitters: Uncertain significance (1); Likely benign (2). Last evaluated 2025-12-06.

Conditions:
Hereditary cancer-predisposing syndrome. Also called: Neoplastic Syndromes, Hereditary; Hereditary neoplastic syndrome; Hereditary Cancer Syndrome; Tumor predisposition. Identifiers: Orphanet 140162, MedGen C0027672, MeSH D009386, MONDO:0015356.
POLD1-related polyposis and colorectal cancer syndrome (CRCS10). Also called: Colorectal cancer, susceptibility to, 10; Colorectal cancer 10; COLORECTAL CANCER, SUSCEPTIBILITY TO, ON CHROMOSOME 19q. Identifiers: Orphanet 220460, MedGen C2675481, MONDO:0012953, OMIM 612591.

Allele frequency attached by ClinVar (database versions not stated): gnomAD exomes below 0.00001; TOPMed below 0.00001; gnomAD 0.00001.
gnomAD v4.1: 2 of 1,613,102 alleles (0.00012%); highest among the groups gnomAD compares: African/African-American, 0.0013%; no homozygotes.

Submissions (3):

Labcorp Genetics (formerly Invitae), Labcorp
Classification: Likely benign for POLD1-related polyposis and colorectal cancer syndrome. Last evaluated: 2025-12-06. Review status: criteria provided, single submitter. Criteria: Invitae Variant Classification Sherloc (09022015). Collection method: clinical testing. Allele origin: germline.

GeneDx
Classification: Uncertain significance. Last evaluated: 2022-12-21. Review status: criteria provided, single submitter. Criteria: GeneDx Variant Classification Process June 2021. Collection method: clinical testing. Allele origin: germline. Affected: yes.
Comment: Not observed at significant frequency in large population cohorts (gnomAD); In silico analysis supports that this variant does not alter splicing; Has not been previously published as pathogenic or benign to our knowledge

Ambry Genetics
Classification: Likely benign for Hereditary cancer-predisposing syndrome. Last evaluated: 2020-06-11. Review status: criteria provided, single submitter. Criteria: Ambry Variant Classification Scheme 2023. Collection method: clinical testing. Allele origin: germline.

NM_002691.4(POLD1):c.2604C>A (p.Ile868=)

Gene: POLD1 (DNA polymerase delta 1, catalytic subunit; plus strand). Cytogenetic location: 19q13.33.
Variant type: single nucleotide variant.
Coding change: c.2604C>A on transcript NM_002691.4 (MANE Select); coding-DNA position 2604, C replaced by A.
Protein change: p.Ile868=; no amino-acid change (isoleucine 868 retained).
Molecular consequence: synonymous variant. On other transcripts: non-coding transcript variant (1).
Genome position (GRCh38, 1-based): chr19:50,415,477, C>A. VCF-style: chr19-50415477-C-A. GRCh37 (hg19) VCF-style: chr19-50918734-C-A.
Other names: c.2604C>A, p.Ile868= (NM_001256849.1); c.2682C>A, p.Ile894= (NM_001308632.1).
Identifiers: ClinVar variation 414794 (VCV000414794.13), dbSNP rs1060504365, ClinGen allele CA16616397.